The following is an entry in ClinVar:

NM_001267550.2(TTN):c.12167C>T (p.Pro4056Leu)

Gene: TTN (titin; minus strand). Cytogenetic location: 2q31.2.
Variant type: single nucleotide variant.
Coding change: c.12167C>T on transcript NM_001267550.2 (MANE Select); coding-DNA position 12167, C replaced by T.
Protein change: p.Pro4056Leu; replaces proline 4056 with leucine.
Molecular consequence: missense variant. On other transcripts: intron variant (1).
Genome position (GRCh38, 1-based): chr2:178,741,066, G>A on the plus strand (C>T on the coding strand, the complement: TTN is on the minus strand). VCF-style: chr2-178741066-G-A. GRCh37 (hg19) VCF-style: chr2-179605793-G-A.
Other names: p.P3739L:CCC>CTC; c.11216C>T, p.Pro3739Leu (NM_001256850.1); c.11078C>T, p.Pro3693Leu (NM_003319.4); c.11453C>T, p.Pro3818Leu (NM_133432.3); c.11654C>T, p.Pro3885Leu (NM_133437.4); c.10361-2706C>T (NM_133378.4); short protein forms P3739L, P4056L, P3885L, P3693L, P3818L.
Identifiers: ClinVar variation 203224 (VCV000203224.3), dbSNP rs794729601, ClinGen allele CA311731.

ClinVar aggregate classification (germline): Uncertain significance. Review status: criteria provided, single submitter (1 of 4 stars). 2 submissions from 2 submitters: Uncertain significance (1). 1 of the submissions does not count toward it. Last evaluated 2014-06-06.

Conditions:
TTN-related disorder. Also called: TTN-related disorders; TTN-related condition; TTN-related disease.

Allele frequency attached by ClinVar (database versions not stated): TOPMed below 0.00001.
gnomAD v4.1: 3 of 1,613,888 alleles (0.00019%); no homozygotes.

Submissions (2):

GeneDx
Classification: Uncertain significance. Last evaluated: 2014-06-06. Review status: criteria provided, single submitter. Criteria: GeneDx Variant Classification (06012015). Collection method: clinical testing. Allele origin: germline. Affected: yes.
Comment: Missense variants in the TTN gene are considered 'unclassified' if they are not previously reported in the literature and do not have >1% frequency in the population to be considered a polymorphism. Research indicates that truncating mutations in the TTN gene are expected to account for approximately 25% of familial and 18% of sporadic idiopathic DCM; however, truncating variants in the TTN gene have been reported in approximately 3% of reported control alleles. There has been little investigation into non-truncating variants. (Herman D et al. Truncations of titin causing dilated cardiomyopathy. N Eng J Med 366:619-628, 2012) The variant is found in CARDIOMYOPATHY panel(s).

PreventionGenetics, part of Exact Sciences
Classification: Uncertain significance for TTN-related condition. Last evaluated: 2024-03-07. Review status: no assertion criteria provided. Collection method: clinical testing. Allele origin: germline. Not counted in ClinVar's aggregate classification.
Comment: The TTN c.12167C>T variant is predicted to result in the amino acid substitution p.Pro4056Leu. To our knowledge, this variant has not been reported in the literature or in a large population database, indicating this variant is rare. At this time, the clinical significance of this variant is uncertain due to the absence of conclusive functional and genetic evidence.